The following is an entry in ClinVar:

ClinVar aggregate classification (germline): Uncertain significance. Review status: criteria provided, multiple submitters, no conflicts (2 of 4 stars). 2 submissions from 2 submitters: Uncertain significance (2). Last evaluated 2022-11-12.

Allele frequency attached by ClinVar (database versions not stated): TOPMed 0.00002; gnomAD 0.00005; 1000 Genomes Project 30x 0.00016; 1000 Genomes Project 0.00020; ExAC 0.00021.
gnomAD v4.1: 142 of 1,612,828 alleles (0.0088%); highest among the groups gnomAD compares: South Asian, 0.055%; no homozygotes.

Submissions (2):

Labcorp Genetics (formerly Invitae), Labcorp
Classification: Uncertain significance. Last evaluated: 2022-11-12. Review status: criteria provided, single submitter. Criteria: Invitae Variant Classification Sherloc (09022015). Collection method: clinical testing. Allele origin: germline.
Comment: This sequence change replaces arginine, which is basic and polar, with tryptophan, which is neutral and slightly polar, at codon 418 of the KLC2 protein (p.Arg418Trp). This variant is present in population databases (rs561576772, gnomAD 0.05%). This variant has not been reported in the literature in individuals affected with KLC2-related conditions. Algorithms developed to predict the effect of missense changes on protein structure and function (SIFT, PolyPhen-2, Align-GVGD) all suggest that this variant is likely to be disruptive. In summary, the available evidence is currently insufficient to determine the role of this variant in disease. Therefore, it has been classified as a Variant of Uncertain Significance.

Ambry Genetics
Classification: Uncertain significance. Last evaluated: 2021-07-20. Review status: criteria provided, single submitter. Criteria: Ambry Variant Classification Scheme 2023. Collection method: clinical testing. Allele origin: germline.

NM_001318734.2(KLC2):c.1252C>T (p.Arg418Trp)

Genes: KLC2 (kinesin light chain 2; plus strand), KLC2-AS1 (KLC2 antisense RNA 1; minus strand). Cytogenetic location: 11q13.2.
Variant type: single nucleotide variant.
Coding change: c.1252C>T on transcript NM_001318734.2 (MANE Select); coding-DNA position 1252, C replaced by T.
Protein change: p.Arg418Trp; replaces arginine 418 with tryptophan.
Molecular consequence: missense variant.
Genome position (GRCh38, 1-based): chr11:66,265,058, C>T. VCF-style: chr11-66265058-C-T. GRCh37 (hg19) VCF-style: chr11-66032529-C-T.
Other names: c.1021C>T, p.Arg341Trp (NM_001134774.2); c.1252C>T, p.Arg418Trp (NM_001134775.2, NM_001134776.2, NM_022822.3); c.1252C>T (NM_001134775.1); short protein forms R418W, R341W.
Identifiers: ClinVar variation 3017943 (VCV003017943.3), dbSNP rs561576772, ClinGen allele CA6117354.
Genomic context (GRCh38, chr11:66,265,058, plus strand): 5'-GTGACAGTCCCCTTTCTCTCCCCAGGGGACAACAAGCCCATCTGGATGCACGCAGAGGAG[C>T]GGGAGGAAAGCAAGGTAGCTCTGTGGGGCAGGCTGGGCGGTTGTCAGGGGAGGCTGGGAT-3'
Protein context (NP_001305663.1, residues 408-428): NKPIWMHAEE[Arg418Trp]EESKDKRRDS